The following is an entry in ClinVar:

NM_000642.3(AGL):c.3259+37G>A

Gene: AGL (amylo-alpha-1,6-glucosidase and 4-alpha-glucanotransferase; plus strand). Cytogenetic location: 1p21.2.
Variant type: single nucleotide variant.
Coding change: c.3259+37G>A on transcript NM_000642.3 (MANE Select); 37 bases into the intron after coding-DNA position 3259, G replaced by A.
Molecular consequence: intron variant.
Genome position (GRCh38, 1-based): chr1:99,892,644, G>A. VCF-style: chr1-99892644-G-A. GRCh37 (hg19) VCF-style: chr1-100358200-G-A.
Other names: c.3259+37G>A (NM_000643.3, NM_000644.3, NM_001425325.1 and 1 more transcripts); c.3211+37G>A (NM_000646.3); c.3238+37G>A (NM_001425326.1); c.3058+37G>A (NM_001425327.1); c.3055+37G>A (NM_001425328.1); c.2920+37G>A (NM_001425329.1); c.2881+37G>A (NM_001425332.1).
Identifiers: ClinVar variation 256735 (VCV000256735.6), dbSNP rs594249, ClinGen allele CA967017.
Genomic context (GRCh38, chr1:99,892,644, plus strand): 5'-AATGTTGTGTTTCTCTAGCTGCAGGTAAGGAATTATGTACAAGGTTAAAATATGTAAATC[G>A]ATAGTATTCGCGGAAGAAAAGTTATAGGAAAATGATTATTTTTTAAAAGCTTGTAATGCT-3'

ClinVar aggregate classification (germline): Benign. Review status: criteria provided, multiple submitters, no conflicts (2 of 4 stars). 4 submissions from 4 submitters: Benign (4). Last evaluated 2021-07-14.

Conditions:
Glycogen storage disease type III (GSD3). Also called: FORBES DISEASE; Cori disease. Identifiers: Orphanet 366, MedGen C0017922, MONDO:0009291, OMIM 232400.

Allele frequency attached by ClinVar (database versions not stated): ESP Exome Variant Server 0.65495; TOPMed 0.65577; gnomAD 0.65860 and 0.66232; 1000 Genomes Project 30x 0.67146; 1000 Genomes Project 0.68151; gnomAD exomes 0.69107 and 0.69522; ExAC 0.69120.
gnomAD v4.1: 1,098,925 of 1,589,346 alleles (69%); highest among the groups gnomAD compares: South Asian, 73%; 381,295 homozygotes.

Submissions (4):

Genome-Nilou Lab
Classification: Benign for Glycogen storage disease type III. Last evaluated: 2021-07-14. Review status: criteria provided, single submitter. Criteria: ACMG Guidelines, 2015. Collection method: clinical testing. Allele origin: germline. Affected: no.

GeneDx
Classification: Benign. Last evaluated: 2018-06-18. Review status: criteria provided, single submitter. Criteria: GeneDx Variant Classification (06012015). Collection method: clinical testing. Allele origin: germline. Affected: yes.
Comment: This variant is considered likely benign or benign based on one or more of the following criteria: it is a conservative change, it occurs at a poorly conserved position in the protein, it is predicted to be benign by multiple in silico algorithms, and/or has population frequency not consistent with disease.

Breakthrough Genomics
Classification: Benign. Review status: criteria provided, single submitter. Criteria: ACMG Guidelines, 2015. Collection method: not provided. Allele origin: germline. Inheritance: Autosomal recessive inheritance. Affected: yes.

PreventionGenetics, part of Exact Sciences
Classification: Benign. Review status: criteria provided, single submitter. Criteria: ACMG Guidelines, 2015. Collection method: clinical testing. Allele origin: germline.